The following is an entry in ClinVar:

NM_001205293.3(CACNA1E):c.2779A>G (p.Arg927Gly)

Gene: CACNA1E (calcium voltage-gated channel subunit alpha1 E; plus strand). Cytogenetic location: 1q25.3.
Variant type: single nucleotide variant.
Coding change: c.2779A>G on transcript NM_001205293.3 (MANE Select); coding-DNA position 2779, A replaced by G.
Protein change: p.Arg927Gly; replaces arginine 927 with glycine.
Molecular consequence: missense variant.
Genome position (GRCh38, 1-based): chr1:181,732,865, A>G. VCF-style: chr1-181732865-A-G. GRCh37 (hg19) VCF-style: chr1-181702001-A-G.
Other names: c.2779A>G, p.Arg927Gly (NM_000721.4); c.2722A>G, p.Arg908Gly (NM_001205294.2); c.2779A>G (NM_001205293.1); short protein forms R908G, R927G.
Identifiers: ClinVar variation 2182235 (VCV002182235.28), dbSNP rs1249717519, ClinGen allele CA343618933.
Genomic context (GRCh38, chr1:181,732,865, plus strand): 5'-ACCTTTGAGGACCGGGCCAGGCACAGGCAGAGCCAACGGCGCAGCCGGCATCGCCGCGTC[A>G]GGACAGAAGGCAAGGAGTCCTCTTCAGCCTCCCGGAGCAGGTCTGCCAGCCAGGAACGCA-3'
Protein context (NP_001192222.1, residues 917-937): SQRRSRHRRV[Arg927Gly]TEGKESSSAS

ClinVar aggregate classification (germline): Conflicting classifications of pathogenicity. Review status: criteria provided, conflicting classifications (1 of 4 stars). 3 submissions from 3 submitters: Uncertain significance (2); Likely benign (1). Last evaluated 2025-04-10.

Conditions:
Inborn genetic diseases. Identifiers: MedGen C0950123, MeSH D030342.

Allele frequency attached by ClinVar (database versions not stated): gnomAD 0.00001; TOPMed 0.00001.
gnomAD v4.1: 6 of 1,613,904 alleles (0.00037%); highest among the groups gnomAD compares: African/African-American, 0.0013%; no homozygotes.

Submissions (3):

Ambry Genetics
Classification: Uncertain significance for Inborn genetic diseases. Last evaluated: 2025-04-10. Review status: criteria provided, single submitter. Criteria: Ambry Variant Classification Scheme 2023. Collection method: clinical testing. Allele origin: germline.

CeGaT Center for Human Genetics Tuebingen
Classification: Uncertain significance. Last evaluated: 2023-06-01. Review status: criteria provided, single submitter. Criteria: CeGaT Center For Human Genetics Tuebingen Variant Classification Criteria Version 2. Collection method: clinical testing. Allele origin: germline. Affected: yes. Observed: 2 variant alleles.
Comment: CACNA1E: PM2

Labcorp Genetics (formerly Invitae), Labcorp
Classification: Likely benign. Last evaluated: 2022-11-15. Review status: criteria provided, single submitter. Criteria: Invitae Variant Classification Sherloc (09022015). Collection method: clinical testing. Allele origin: germline.